The following is an entry in ClinVar:

ClinVar aggregate classification (germline): Likely benign. Review status: criteria provided, multiple submitters, no conflicts (2 of 4 stars). 2 submissions from 2 submitters: Likely benign (2). Last evaluated 2024-01-22.

Conditions:
Hereditary breast ovarian cancer syndrome. Also called: Hereditary breast and ovarian cancer syndrome (HBOC); Hereditary breast and ovarian cancer syndrome; Breast and ovarian cancer; Hereditary breast and/or ovarian cancer syndrome; Hereditary breast and ovarian cancer; BRCA1- and BRCA2-Associated Hereditary Breast and Ovarian Cancer. Identifiers: Orphanet 145, MedGen C0677776, MeSH D061325, MONDO:0003582. Disease mechanism: loss of function.

Submissions (2):

Women's Health and Genetics/Laboratory Corporation of America, LabCorp
Classification: Likely benign. Last evaluated: 2024-01-22. Review status: criteria provided, single submitter. Criteria: LabCorp Variant Classification Summary - May 2015. Collection method: clinical testing. Allele origin: germline.
Comment: Variant summary: BRCA1 c.594-12T>G alters a non-conserved nucleotide located at a position not widely known to affect splicing. Consensus agreement among computation tools predict no significant impact on normal splicing. However, these predictions have yet to be confirmed by functional studies. The variant was absent in 248052 control chromosomes. The available data on variant occurrences in the general population are insufficient to allow any conclusion about variant significance. To our knowledge, no occurrence of c.594-12T>G in individuals affected with Hereditary Breast And Ovarian Cancer Syndrome and no experimental evidence demonstrating its impact on protein function have been reported. ClinVar contains an entry for this variant (Variation ID: 462681). Based on the evidence outlined above, the variant was classified as likely benign.

Labcorp Genetics (formerly Invitae), Labcorp
Classification: Likely benign for Hereditary breast ovarian cancer syndrome. Last evaluated: 2017-04-03. Review status: criteria provided, single submitter. Criteria: Invitae Variant Classification Sherloc (09022015). Collection method: clinical testing. Allele origin: germline.

NM_007294.4(BRCA1):c.594-12T>G

Gene: BRCA1 (BRCA1 DNA repair associated; minus strand). Cytogenetic location: 17q21.31.
Variant type: single nucleotide variant.
Coding change: c.594-12T>G on transcript NM_007294.4 (MANE Select); 12 bases into the intron before coding-DNA position 594, T replaced by G.
Molecular consequence: intron variant.
Genome position (GRCh38, 1-based): chr17:43,095,934, A>C on the plus strand (T>G on the coding strand, the complement: BRCA1 is on the minus strand). VCF-style: chr17-43095934-A-C. GRCh37 (hg19) VCF-style: chr17-41247951-A-C.
Other names: c.453-12T>G (NM_001408458.1, NM_001408469.1, NM_001408453.1 and 43 more transcripts); c.-218-1074T>G (NM_001407967.1, NM_001407966.1); c.213-12T>G (NM_001407959.1, NM_001408510.1, NM_001407963.1 and 1 more transcripts); c.404-1074T>G (NM_001407931.1, NM_001407932.1, NM_001408503.1 and 5 more transcripts); c.450-12T>G (NM_001407747.1, NM_001408470.1, NM_001407848.1 and 26 more transcripts); c.210-12T>G (NM_001407962.1); c.167-1074T>G (NM_001408512.1, NM_001407965.1); c.384-12T>G (NM_001407885.1, NM_001407886.1, NM_001407881.1 and 27 more transcripts); and 17 more.
Identifiers: ClinVar variation 462681 (VCV000462681.11), dbSNP rs1555593633, ClinGen allele CA658656644.